The following is an entry in ClinVar:

NM_001845.6(COL4A1):c.104G>T (p.Gly35Val)

Gene: COL4A1 (collagen type IV alpha 1 chain; minus strand). Cytogenetic location: 13q34.
Variant type: single nucleotide variant.
Coding change: c.104G>T on transcript NM_001845.6 (MANE Select); coding-DNA position 104, G replaced by T.
Protein change: p.Gly35Val; replaces glycine 35 with valine.
Molecular consequence: missense variant.
Genome position (GRCh38, 1-based): chr13:110,242,715, C>A on the plus strand (G>T on the coding strand, the complement: COL4A1 is on the minus strand). VCF-style: chr13-110242715-C-A. GRCh37 (hg19) VCF-style: chr13-110895062-C-A.
Other names: c.104G>T, p.Gly35Val (NM_001303110.2); short protein forms G35V.
Identifiers: ClinVar variation 4802379 (VCV004802379.1).

ClinVar aggregate classification (germline): Uncertain significance (1 of 4 stars; one submission).

Submission:

Labcorp Genetics (formerly Invitae), Labcorp
Classification: Uncertain significance. Last evaluated: 2026-01-14. Review status: criteria provided, single submitter. Criteria: Invitae Variant Classification Sherloc (09022015). Collection method: clinical testing. Allele origin: germline.
Comment: This sequence change replaces glycine, which is neutral and non-polar, with valine, which is neutral and non-polar, at codon 35 of the COL4A1 protein (p.Gly35Val). This variant is not present in population databases (gnomAD no frequency). This variant has not been reported in the literature in individuals affected with COL4A1-related conditions. Invitae Evidence Modeling of protein sequence and biophysical properties (such as structural, functional, and spatial information, amino acid conservation, physicochemical variation, residue mobility, and thermodynamic stability) indicates that this missense variant is not expected to disrupt COL4A1 protein function with a negative predictive value of 95%. In summary, the available evidence is currently insufficient to determine the role of this variant in disease. Therefore, it has been classified as a Variant of Uncertain Significance.